The following is an entry in ClinVar:

ClinVar aggregate classification (germline): Conflicting classifications of pathogenicity. Review status: criteria provided, conflicting classifications (1 of 4 stars). 2 submissions from 2 submitters: Uncertain significance (1); Likely benign (1). Last evaluated 2025-03-19.

Allele frequency attached by ClinVar (database versions not stated): gnomAD exomes 0.00001 and 0.00002; TOPMed 0.00002; ExAC 0.00003; gnomAD 0.00004; ESP Exome Variant Server 0.00008.
gnomAD v4.1: 19 of 1,613,948 alleles (0.0012%); highest among the groups gnomAD compares: African/African-American, 0.004%; no homozygotes.

Submissions (2):

Labcorp Genetics (formerly Invitae), Labcorp
Classification: Likely benign. Last evaluated: 2025-03-19. Review status: criteria provided, single submitter. Criteria: Invitae Variant Classification Sherloc (09022015). Collection method: clinical testing. Allele origin: germline.

GeneDx
Classification: Uncertain significance. Last evaluated: 2017-03-23. Review status: criteria provided, single submitter. Criteria: GeneDx Variant Classification (06012015). Collection method: clinical testing. Allele origin: germline. Affected: yes.
Comment: The M527I variant in the SNRNP200 gene has not been reported previously as a pathogenic variant, nor as a benign variant, to our knowledge. The M527I variant is not observed at a significant frequency in large population cohorts (Lek et al., 2016; 1000 Genomes Consortium et al., 2015; Exome Variant Server). The M527I variant is a conservative amino acid substitution, which is not likely to impact secondary protein structure as these residues share similar properties. In addition, this substitution occurs at a position where amino acids with similar properties to Methionine are tolerated across species. However, in silico analysis is inconsistent in its predictions as to whether or not the variant is damaging to the protein structure/function. We interpret M527I as a variant of uncertain significance.

NM_014014.5(SNRNP200):c.1581G>A (p.Met527Ile)

Gene: SNRNP200 (small nuclear ribonucleoprotein U5 subunit 200; minus strand). Cytogenetic location: 2q11.2.
Variant type: single nucleotide variant.
Coding change: c.1581G>A on transcript NM_014014.5 (MANE Select); coding-DNA position 1581, G replaced by A.
Protein change: p.Met527Ile; replaces methionine 527 with isoleucine.
Molecular consequence: missense variant.
Genome position (GRCh38, 1-based): chr2:96,296,626, C>T on the plus strand (G>A on the coding strand, the complement: SNRNP200 is on the minus strand). VCF-style: chr2-96296626-C-T. GRCh37 (hg19) VCF-style: chr2-96962364-C-T.
Other names: short protein forms M527I.
Identifiers: ClinVar variation 424346 (VCV000424346.7), dbSNP rs148170370, ClinGen allele CA1778892.
Genomic context (GRCh38, chr2:96,296,626, plus strand): 5'-CAAGGAGCGCATGGGGGCAATGTAGATAATCTTGAAGTCATCCACATTGATGGTGCCGTC[C>T]ATGTTTATGTGTTTCCCAATCTCTCGGAGCATGCACATCAGGGCCACGTTGGTCTTCCCA-3'
Protein context (NP_054733.2, residues 517-537): MLREIGKHIN[Met527Ile]DGTINVDDFK